The following is an entry in ClinVar:

NM_004656.4(BAP1):c.2032T>A (p.Phe678Ile)

Gene: BAP1 (BRCA1 associated deubiquitinase 1; minus strand). Cytogenetic location: 3p21.1.
Variant type: single nucleotide variant.
Coding change: c.2032T>A on transcript NM_004656.4 (MANE Select); coding-DNA position 2032, T replaced by A.
Protein change: p.Phe678Ile; replaces phenylalanine 678 with isoleucine.
Molecular consequence: missense variant.
Genome position (GRCh38, 1-based): chr3:52,402,626, A>T on the plus strand (T>A on the coding strand, the complement: BAP1 is on the minus strand). VCF-style: chr3-52402626-A-T. GRCh37 (hg19) VCF-style: chr3-52436642-A-T.
Other names: c.2032T>A (NM_004656.2); short protein forms F678I.
Identifiers: ClinVar variation 412421 (VCV000412421.8), dbSNP rs1060503738, ClinGen allele CA16611511.

ClinVar aggregate classification (germline): Uncertain significance. Review status: criteria provided, multiple submitters, no conflicts (2 of 4 stars). 3 submissions from 3 submitters: Uncertain significance (3). Last evaluated 2025-02-07.

Conditions:
Hereditary cancer-predisposing syndrome. Also called: Neoplastic Syndromes, Hereditary; Tumor predisposition; Hereditary Cancer Syndrome; Hereditary neoplastic syndrome. Identifiers: Orphanet 140162, MedGen C0027672, MeSH D009386, MONDO:0015356.
BAP1-related tumor predisposition syndrome (TPDS1). Also called: BAP1 tumor predisposition syndrome; Tumor susceptibility linked to germline BAP1 mutations; TUMOR PREDISPOSITION SYNDROME 1; COMMON Syndrome. Identifiers: Orphanet 289539, MedGen C3280492, MONDO:0013692, OMIM 614327.

Submissions (3):

Ambry Genetics
Classification: Uncertain significance for Hereditary cancer-predisposing syndrome. Last evaluated: 2025-02-07. Review status: criteria provided, single submitter. Criteria: Ambry Variant Classification Scheme 2023. Collection method: clinical testing. Allele origin: germline.
Comment: The p.F678I variant (also known as c.2032T>A), located in coding exon 16 of the BAP1 gene, results from a T to A substitution at nucleotide position 2032. The phenylalanine at codon 678 is replaced by isoleucine, an amino acid with highly similar properties. This amino acid position is conserved. In addition, this alteration is predicted to be deleterious by in silico analysis. Based on the available evidence, the clinical significance of this variant remains unclear.

Color Diagnostics, LLC DBA Color Health
Classification: Uncertain significance for Hereditary cancer-predisposing syndrome. Last evaluated: 2024-03-06. Review status: criteria provided, single submitter. Criteria: ACMG Guidelines, 2015. Collection method: clinical testing. Allele origin: germline.
Comment: This missense variant replaces phenylalanine with isoleucine at codon 678 of the BAP1 protein. Computational prediction is inconclusive regarding the impact of this variant on protein structure and function (internally defined REVEL score threshold 0.5 < inconclusive < 0.7, PMID: 27666373). To our knowledge, functional studies have not been reported for this variant. This variant has not been reported in individuals affected with hereditary cancer in the literature. This variant has not been identified in the general population by the Genome Aggregation Database (gnomAD). The available evidence is insufficient to determine the role of this variant in disease conclusively. Therefore, this variant is classified as a Variant of Uncertain Significance.

Labcorp Genetics (formerly Invitae), Labcorp
Classification: Uncertain significance for BAP1-related tumor predisposition syndrome. Last evaluated: 2016-08-03. Review status: criteria provided, single submitter. Criteria: Invitae Variant Classification Sherloc (09022015). Collection method: clinical testing. Allele origin: germline.
Comment: Algorithms developed to predict the effect of missense changes on protein structure and function do not agree on the potential impact of this missense change (SIFT: "Deleterious"; PolyPhen-2: "Probably Damaging"; Align-GVGD: "Class C0"). In summary, this variant is a novel missense change with uncertain impact on protein function. It has been classified as a Variant of Uncertain Significance. This sequence change replaces phenylalanine with isoleucine at codon 678 of the BAP1 protein (p.Phe678Ile). The phenylalanine residue is highly conserved and there is a small physicochemical difference between phenylalanine and isoleucine. This variant is not present in population databases (ExAC no frequency) and has not been reported in the literature in individuals with a BAP1-related disease.